The following is an entry in ClinVar:

ClinVar aggregate classification (germline): Uncertain significance. Review status: criteria provided, multiple submitters, no conflicts (2 of 4 stars). 2 submissions from 2 submitters: Uncertain significance (2). Last evaluated 2024-11-13.

Conditions:
Cardiovascular phenotype. Identifiers: MedGen CN230736.
Hypertrophic cardiomyopathy. Also called: HYPERTROPHIC MYOCARDIOPATHY. Identifiers: Orphanet 217569, MedGen C0007194, MeSH D002312, MONDO:0005045, HP:0001639.

Allele frequency attached by ClinVar (database versions not stated): gnomAD exomes below 0.00001.
gnomAD v4.1: 1 of 1,604,456 alleles (0.000062%); highest among the groups gnomAD compares: Non-Finnish European, 0.000085%; no homozygotes.

Submissions (2):

Labcorp Genetics (formerly Invitae), Labcorp
Classification: Uncertain significance for Hypertrophic cardiomyopathy. Last evaluated: 2024-11-13. Review status: criteria provided, single submitter. Criteria: Invitae Variant Classification Sherloc (09022015). Collection method: clinical testing. Allele origin: germline.
Comment: This sequence change falls in intron 3 of the MYOZ2 gene. It does not directly change the encoded amino acid sequence of the MYOZ2 protein. It affects a nucleotide within the consensus splice site. This variant is not present in population databases (gnomAD no frequency). This variant has not been reported in the literature in individuals affected with MYOZ2-related conditions. ClinVar contains an entry for this variant (Variation ID: 2626089). Variants that disrupt the consensus splice site are a relatively common cause of aberrant splicing (PMID: 17576681, 9536098). Algorithms developed to predict the effect of sequence changes on RNA splicing suggest that this variant is not likely to affect RNA splicing. In summary, the available evidence is currently insufficient to determine the role of this variant in disease. Therefore, it has been classified as a Variant of Uncertain Significance.

Ambry Genetics
Classification: Uncertain significance for Cardiovascular phenotype. Last evaluated: 2023-08-02. Review status: criteria provided, single submitter. Criteria: Ambry Variant Classification Scheme 2023. Collection method: clinical testing. Allele origin: germline.
Comment: The c.246+4G>A intronic variant results from a G to A substitution 4 nucleotides after coding exon 2 in the MYOZ2 gene. This nucleotide position is not well conserved in available vertebrate species. In silico splice site analysis predicts that this alteration will not have any significant effect on splicing. The evidence for this gene-disease relationship is limited; therefore, the clinical significance of this alteration is unclear.

Literature cited by the submitters: PubMed 17576681 (cited by Labcorp Genetics (formerly Invitae), Labcorp); PubMed 9536098 (cited by Labcorp Genetics (formerly Invitae), Labcorp).

NM_016599.5(MYOZ2):c.246+4G>A

Gene: MYOZ2 (myozenin 2; plus strand). Cytogenetic location: 4q26.
Variant type: single nucleotide variant.
Coding change: c.246+4G>A on transcript NM_016599.5 (MANE Select); 4 bases into the intron after coding-DNA position 246, G replaced by A.
Molecular consequence: intron variant.
Genome position (GRCh38, 1-based): chr4:119,151,045, G>A. VCF-style: chr4-119151045-G-A. GRCh37 (hg19) VCF-style: chr4-120072200-G-A.
Identifiers: ClinVar variation 2626089 (VCV002626089.4), dbSNP rs2476784418, ClinGen allele CA2578176993.